The following is an entry in ClinVar:

NM_001793.6(CDH3):c.-6G>A

Genes: CDH3 (cadherin 3; plus strand), CDH3-AS1 (CDH3 antisense RNA 1; minus strand). Cytogenetic location: 16q22.1.
Variant type: single nucleotide variant.
Coding change: c.-6G>A on transcript NM_001793.6 (MANE Select); 6 bases upstream of the start codon, G replaced by A.
Molecular consequence: 5 prime UTR variant. On other transcripts: non-coding transcript variant (1).
Genome position (GRCh38, 1-based): chr16:68,645,374, G>A. VCF-style: chr16-68645374-G-A. GRCh37 (hg19) VCF-style: chr16-68679277-G-A.
Other names: c.-6G>A (NM_001317195.3); c.-56G>A (NM_001317196.2).
Identifiers: ClinVar variation 4681450 (VCV004681450.5).

ClinVar aggregate classification (germline): Uncertain significance (1 of 4 stars; one submission).

gnomAD v4.1: 3 of 1,613,088 alleles (0.00019%); highest among the groups gnomAD compares: Admixed American, 0.0017%; no homozygotes.

Submission:

CeGaT Center for Human Genetics Tuebingen
Classification: Uncertain significance. Last evaluated: 2025-12-01. Review status: criteria provided, single submitter. Criteria: CeGaT Center For Human Genetics Tuebingen Variant Classification Criteria Version 2. Collection method: clinical testing. Allele origin: germline. Affected: yes. Observed: 1 variant allele.
Comment: CDH3: PM2, BP4